The following is an entry in ClinVar:

NM_001852.4(COL9A2):c.1124G>A (p.Arg375Gln)

Gene: COL9A2 (collagen type IX alpha 2 chain; minus strand). Cytogenetic location: 1p34.2.
Variant type: single nucleotide variant.
Coding change: c.1124G>A on transcript NM_001852.4 (MANE Select); coding-DNA position 1124, G replaced by A.
Protein change: p.Arg375Gln; replaces arginine 375 with glutamine.
Molecular consequence: missense variant.
Genome position (GRCh38, 1-based): chr1:40,304,831, C>T on the plus strand (G>A on the coding strand, the complement: COL9A2 is on the minus strand). VCF-style: chr1-40304831-C-T. GRCh37 (hg19) VCF-style: chr1-40770503-C-T.
Other names: short protein forms R375Q.
Identifiers: ClinVar variation 1352903 (VCV001352903.7), dbSNP rs370682522, ClinGen allele CA791576.

ClinVar aggregate classification (germline): Uncertain significance. Review status: criteria provided, multiple submitters, no conflicts (2 of 4 stars). 2 submissions from 2 submitters: Uncertain significance (2). Last evaluated 2026-01-09.

Allele frequency attached by ClinVar (database versions not stated): ExAC 0.00015; 1000 Genomes Project 30x 0.00016; ESP Exome Variant Server 0.00016; 1000 Genomes Project 0.00020.
gnomAD v4.1: 65 of 1,550,674 alleles (0.0042%); highest among the groups gnomAD compares: South Asian, 0.019%; no homozygotes.

Submissions (2):

Women's Health and Genetics/Laboratory Corporation of America, LabCorp
Classification: Uncertain significance. Last evaluated: 2026-01-09. Review status: criteria provided, single submitter. Criteria: LabCorp Variant Classification Summary - May 2015. Collection method: clinical testing. Allele origin: germline.
Comment: Variant summary: COL9A2 c.1124G>A (p.Arg375Gln) results in a conservative amino acid change in the encoded protein sequence. Algorithms developed to predict the effect of missense changes on protein structure and function all suggest that this variant is likely to be tolerated. The variant allele was found at a frequency of 5.1e-05 in 155694 control chromosomes. The available data on variant occurrences in the general population are insufficient to allow any conclusion about variant significance. To our knowledge, no occurrence of c.1124G>A in individuals affected with COL9A2-related conditions and no experimental evidence demonstrating its impact on protein function have been reported. ClinVar contains an entry for this variant (Variation ID: 1352903). Based on the evidence outlined above, the variant was classified as uncertain significance.

Labcorp Genetics (formerly Invitae), Labcorp
Classification: Uncertain significance. Last evaluated: 2025-09-15. Review status: criteria provided, single submitter. Criteria: Invitae Variant Classification Sherloc (09022015). Collection method: clinical testing. Allele origin: germline.
Comment: This sequence change replaces arginine, which is basic and polar, with glutamine, which is neutral and polar, at codon 375 of the COL9A2 protein (p.Arg375Gln). This variant is present in population databases (rs370682522, gnomAD 0.02%). This variant has not been reported in the literature in individuals affected with COL9A2-related conditions. ClinVar contains an entry for this variant (Variation ID: 1352903). Invitae Evidence Modeling of protein sequence and biophysical properties (such as structural, functional, and spatial information, amino acid conservation, physicochemical variation, residue mobility, and thermodynamic stability) indicates that this missense variant is not expected to disrupt COL9A2 protein function with a negative predictive value of 95%. In summary, the available evidence is currently insufficient to determine the role of this variant in disease. Therefore, it has been classified as a Variant of Uncertain Significance.